The following is an entry in ClinVar:

ClinVar aggregate classification (germline): Uncertain significance (1 of 4 stars; one submission).

Conditions:
Epileptic encephalopathy. Identifiers: MedGen C0543888, HP:0200134.

Allele frequency attached by ClinVar (database versions not stated): gnomAD 0.00001; TOPMed 0.00002; gnomAD exomes 0.00004 and 0.00006; ExAC 0.00009.
gnomAD v4.1: 79 of 1,606,774 alleles (0.0049%); highest among the groups gnomAD compares: South Asian, 0.011%; 1 homozygote.

Submission:

Labcorp Genetics (formerly Invitae), Labcorp
Classification: Uncertain significance for Epileptic encephalopathy. Last evaluated: 2022-04-28. Review status: criteria provided, single submitter. Criteria: Invitae Variant Classification Sherloc (09022015). Collection method: clinical testing. Allele origin: germline.
Comment: This sequence change replaces alanine, which is neutral and non-polar, with valine, which is neutral and non-polar, at codon 1076 of the FASN protein (p.Ala1076Val). This variant is present in population databases (rs754514615, gnomAD 0.01%). This variant has not been reported in the literature in individuals affected with FASN-related conditions. Algorithms developed to predict the effect of missense changes on protein structure and function output the following: SIFT: "Tolerated"; PolyPhen-2: "Benign"; Align-GVGD: "Class C0". The valine amino acid residue is found in multiple mammalian species, which suggests that this missense change does not adversely affect protein function. In summary, the available evidence is currently insufficient to determine the role of this variant in disease. Therefore, it has been classified as a Variant of Uncertain Significance.

NM_004104.5(FASN):c.3227C>T (p.Ala1076Val)

Gene: FASN (fatty acid synthase; minus strand). Cytogenetic location: 17q25.3.
Variant type: single nucleotide variant.
Coding change: c.3227C>T on transcript NM_004104.5 (MANE Select); coding-DNA position 3227, C replaced by T.
Protein change: p.Ala1076Val; replaces alanine 1076 with valine.
Molecular consequence: missense variant.
Genome position (GRCh38, 1-based): chr17:82,087,250, G>A on the plus strand (C>T on the coding strand, the complement: FASN is on the minus strand). VCF-style: chr17-82087250-G-A. GRCh37 (hg19) VCF-style: chr17-80045126-G-A.
Other names: short protein forms A1076V.
Identifiers: ClinVar variation 1467254 (VCV001467254.8), dbSNP rs754514615, ClinGen allele CA8852460.
Genomic context (GRCh38, chr17:82,087,250, plus strand): 5'-CCGGAGATGTGGACGCCTCCGGCCACTGTGACCCTCAGCCACCTGCTCACCACCACGTCA[G>A]CCACTGTGGGGACAGGCTGGGTGAGTGCGGCATACTTGGGTGGGGGCACTGGGCTGGGGC-3'
Protein context (NP_004095.4, residues 1066-1086): LYTLQDKAQV[Ala1076Val]DVVVSRWLRV